The following is an entry in ClinVar:

ClinVar aggregate classification (germline): Uncertain significance. Review status: criteria provided, multiple submitters, no conflicts (2 of 4 stars). 3 submissions from 3 submitters: Uncertain significance (3). Last evaluated 2024-08-21.

Conditions:
Lynch syndrome. Identifiers: Orphanet 144, MedGen C4552100, MONDO:0005835. Disease mechanism: loss of function.
Endometrial carcinoma. Also called: Endometrial carcinoma, somatic. Identifiers: MedGen C0476089, MONDO:0002447, OMIM 608089, HP:0012114.
Mismatch repair cancer syndrome 3. Identifiers: MedGen C5436807, MONDO:0030841, OMIM 619097.
Lynch syndrome 5 (LYNCH5). Also called: Hereditary non-polyposis colorectal cancer, type 5; Colorectal cancer, hereditary nonpolyposis, type 5. Identifiers: Orphanet 144, MedGen C1833477, MONDO:0013710, OMIM 614350. Disease mechanism: loss of function.
Hereditary nonpolyposis colorectal neoplasms. Identifiers: MedGen C0009405, MeSH D003123.

Allele frequency attached by ClinVar (database versions not stated): gnomAD exomes below 0.00001.
gnomAD v4.1: 1 of 1,614,158 alleles (0.000062%); highest among the groups gnomAD compares: African/African-American, 0.0013%; no homozygotes.

Submissions (3):

Labcorp Genetics (formerly Invitae), Labcorp
Classification: Uncertain significance for Hereditary nonpolyposis colorectal neoplasms. Last evaluated: 2024-08-21. Review status: criteria provided, single submitter. Criteria: Invitae Variant Classification Sherloc (09022015). Collection method: clinical testing. Allele origin: germline.
Comment: This sequence change replaces glutamine, which is neutral and polar, with glutamic acid, which is acidic and polar, at codon 731 of the MSH6 protein (p.Gln731Glu). This variant is not present in population databases (gnomAD no frequency). This variant has not been reported in the literature in individuals affected with MSH6-related conditions. ClinVar contains an entry for this variant (Variation ID: 1023084). Invitae Evidence Modeling of protein sequence and biophysical properties (such as structural, functional, and spatial information, amino acid conservation, physicochemical variation, residue mobility, and thermodynamic stability) indicates that this missense variant is not expected to disrupt MSH6 protein function with a negative predictive value of 95%. In summary, the available evidence is currently insufficient to determine the role of this variant in disease. Therefore, it has been classified as a Variant of Uncertain Significance.

All of Us Research Program, National Institutes of Health
Classification: Uncertain significance for Lynch syndrome. Last evaluated: 2024-05-14. Review status: criteria provided, single submitter. Criteria: ACMG Guidelines, 2015. Collection method: clinical testing. Allele origin: germline. Inheritance: Autosomal dominant inheritance. Observed: 1 variant allele, 1 heterozygote.
Comment: This missense variant replaces glutamine with glutamic acid at codon 731 of the MSH6 protein. Computational prediction suggests that this variant may not impact protein structure and function (internally defined REVEL score threshold <= 0.5, PMID: 27666373). To our knowledge, functional studies have not been reported for this variant. This variant has not been reported in individuals affected with MSH6-related disorders in the literature. This variant has not been identified in the general population by the Genome Aggregation Database (gnomAD). The available evidence is insufficient to determine the role of this variant in disease conclusively. Therefore, this variant is classified as a Variant of Uncertain Significance.

This study involves interpretation of variants in research participants for the purpose of population health screening. Participant phenotype was not available at the time of variant classification. Additional details can be found in publication PMID: 35346344, PMCID: PMC8962531

Department of Pathology and Laboratory Medicine, Sinai Health System
Classification: Uncertain significance for Endometrial carcinoma; Lynch syndrome 5; Mismatch repair cancer syndrome 3. Last evaluated: 2023-10-06. Review status: criteria provided, single submitter. Criteria: ACMG Guidelines, 2015. Collection method: clinical testing. Allele origin: germline. Affected: no.

NM_000179.3(MSH6):c.2191C>G (p.Gln731Glu)

Gene: MSH6 (mutS homolog 6; plus strand). Cytogenetic location: 2p16.3.
Variant type: single nucleotide variant.
Coding change: c.2191C>G on transcript NM_000179.3 (MANE Select); coding-DNA position 2191, C replaced by G.
Protein change: p.Gln731Glu; replaces glutamine 731 with glutamic acid.
Molecular consequence: missense variant.
Genome position (GRCh38, 1-based): chr2:47,800,174, C>G. VCF-style: chr2-47800174-C-G. GRCh37 (hg19) VCF-style: chr2-48027313-C-G.
Other names: c.1801C>G, p.Gln601Glu (NM_001281492.2); c.1285C>G, p.Gln429Glu (NM_001281493.2, NM_001281494.2); short protein forms Q429E, Q601E, Q731E.
Identifiers: ClinVar variation 1023084 (VCV001023084.11), dbSNP rs63751442, ClinGen allele CA346751278.